The following is an entry in ClinVar:

ClinVar aggregate classification (germline): Uncertain significance (1 of 4 stars; one submission).

Allele frequency attached by ClinVar (database versions not stated): gnomAD exomes below 0.00001; TOPMed below 0.00001; ExAC 0.00001; ESP Exome Variant Server 0.00015.

Submission:

Labcorp Genetics (formerly Invitae), Labcorp
Classification: Uncertain significance. Last evaluated: 2022-10-24. Review status: criteria provided, single submitter. Criteria: Invitae Variant Classification Sherloc (09022015). Collection method: clinical testing. Allele origin: germline.
Comment: This variant has not been reported in the literature in individuals affected with SON-related conditions. In summary, the available evidence is currently insufficient to determine the role of this variant in disease. Therefore, it has been classified as a Variant of Uncertain Significance. Algorithms developed to predict the effect of missense changes on protein structure and function are either unavailable or do not agree on the potential impact of this missense change (SIFT: "Deleterious"; PolyPhen-2: "Probably Damaging"; Align-GVGD: "Class C0"). ClinVar contains an entry for this variant (Variation ID: 1375304). This variant is present in population databases (rs144582291, gnomAD 0.007%). This sequence change replaces arginine, which is basic and polar, with cysteine, which is neutral and slightly polar, at codon 1056 of the SON protein (p.Arg1056Cys).

NM_138927.4(SON):c.3166C>T (p.Arg1056Cys)

Gene: SON (SON DNA and RNA binding protein; plus strand). Cytogenetic location: 21q22.11.
Variant type: single nucleotide variant.
Coding change: c.3166C>T on transcript NM_138927.4 (MANE Select); coding-DNA position 3166, C replaced by T.
Protein change: p.Arg1056Cys; replaces arginine 1056 with cysteine.
Molecular consequence: missense variant. On other transcripts: non-coding transcript variant (1), intron variant (1).
Genome position (GRCh38, 1-based): chr21:33,552,397, C>T. VCF-style: chr21-33552397-C-T. GRCh37 (hg19) VCF-style: chr21-34924703-C-T.
Other names: c.3166C>T, p.Arg1056Cys (NM_001291411.2, NM_032195.3); c.245-4759C>T (NM_001291412.3); short protein forms R1056C.
Identifiers: ClinVar variation 1375304 (VCV001375304.6), dbSNP rs144582291, ClinGen allele CA10009220.